The following is an entry in ClinVar:

ClinVar aggregate classification (germline): Benign (1 of 4 stars; one submission).

Allele frequency attached by ClinVar (database versions not stated): gnomAD 0.39897 and 0.41201; gnomAD exomes 0.28232; 1000 Genomes Project 0.39297; TOPMed 0.42773; 1000 Genomes Project 30x 0.40381.
gnomAD v4.1: 72,655 of 195,088 alleles (37%); highest among the groups gnomAD compares: African/African-American, 75%; 17,647 homozygotes.

Submission:

GeneDx
Classification: Benign. Last evaluated: 2018-06-14. Review status: criteria provided, single submitter. Criteria: GeneDx Variant Classification (06012015). Collection method: clinical testing. Allele origin: germline. Affected: yes.
Comment: This variant is considered likely benign or benign based on one or more of the following criteria: it is a conservative change, it occurs at a poorly conserved position in the protein, it is predicted to be benign by multiple in silico algorithms, and/or has population frequency not consistent with disease.

NM_020408.5(LYRM4):c.-393T>C

Genes: FARS2 (phenylalanyl-tRNA synthetase 2, mitochondrial; plus strand), LYRM4 (LYR motif containing 4; minus strand). Cytogenetic location: 6p25.1.
Variant type: single nucleotide variant.
Coding change: c.-393T>C on transcript NM_020408.5; 393 bases upstream of the start codon, T replaced by C.
Molecular consequence: 5 prime UTR variant (on NM_001374878.1).
Genome position (GRCh38, 1-based): chr6:5,261,126, A>G on the plus strand (T>C on the coding strand, the complement: LYRM4 is on the minus strand). VCF-style: chr6-5261126-A-G. GRCh37 (hg19) VCF-style: chr6-5261359-A-G.
Other names: c.-287A>G (NM_001374878.1); c.-254A>G (NM_001318872.2).
Identifiers: ClinVar variation 680626 (VCV000680626.3), dbSNP rs9784870, ClinGen allele CA12222829.